The following is an entry in ClinVar:

NM_015340.4(LARS2):c.331A>G (p.Ile111Val)

Gene: LARS2 (leucyl-tRNA synthetase 2, mitochondrial; plus strand). Cytogenetic location: 3p21.31.
Variant type: single nucleotide variant.
Coding change: c.331A>G on transcript NM_015340.4 (MANE Select); coding-DNA position 331, A replaced by G.
Protein change: p.Ile111Val; replaces isoleucine 111 with valine.
Molecular consequence: missense variant.
Genome position (GRCh38, 1-based): chr3:45,400,341, A>G. VCF-style: chr3-45400341-A-G. GRCh37 (hg19) VCF-style: chr3-45441833-A-G.
Other names: c.331A>G, p.Ile111Val (NM_001368263.1); short protein forms I111V.
Identifiers: ClinVar variation 1924485 (VCV001924485.3), dbSNP rs756093994, ClinGen allele CA2349263.

ClinVar aggregate classification (germline): Uncertain significance (1 of 4 stars; one submission).

Allele frequency attached by ClinVar (database versions not stated): gnomAD exomes below 0.00001; ExAC 0.00002.
gnomAD v4.1: 4 of 1,613,016 alleles (0.00025%); highest among the groups gnomAD compares: Admixed American, 0.005%; no homozygotes.

Submission:

Labcorp Genetics (formerly Invitae), Labcorp
Classification: Uncertain significance. Last evaluated: 2025-12-08. Review status: criteria provided, single submitter. Criteria: Invitae Variant Classification Sherloc (09022015). Collection method: clinical testing. Allele origin: germline.
Comment: This sequence change replaces isoleucine, which is neutral and non-polar, with valine, which is neutral and non-polar, at codon 111 of the LARS2 protein (p.Ile111Val). This variant is present in population databases (rs756093994, gnomAD 0.006%). This variant has not been reported in the literature in individuals affected with LARS2-related conditions. ClinVar contains an entry for this variant (Variation ID: 1924485). Invitae Evidence Modeling of protein sequence and biophysical properties (such as structural, functional, and spatial information, amino acid conservation, physicochemical variation, residue mobility, and thermodynamic stability) indicates that this missense variant is not expected to disrupt LARS2 protein function with a negative predictive value of 80%. In summary, the available evidence is currently insufficient to determine the role of this variant in disease. Therefore, it has been classified as a Variant of Uncertain Significance.